The following is an entry in ClinVar:

ClinVar aggregate classification (germline): Uncertain significance. Review status: criteria provided, multiple submitters, no conflicts (2 of 4 stars). 2 submissions from 2 submitters: Uncertain significance (2). Last evaluated 2023-06-16.

Conditions:
Cardiovascular phenotype. Identifiers: MedGen CN230736.
Hereditary cancer-predisposing syndrome. Also called: Tumor predisposition; Hereditary Cancer Syndrome; Hereditary neoplastic syndrome; Neoplastic Syndromes, Hereditary. Identifiers: Orphanet 140162, MedGen C0027672, MeSH D009386, MONDO:0015356.

Submissions (2):

Blueprint Genetics
Classification: Uncertain significance. Last evaluated: 2023-06-16. Review status: criteria provided, single submitter. Criteria: ACMG Guidelines, 2015. Collection method: clinical testing. Allele origin: germline.

Ambry Genetics
Classification: Uncertain significance for Cardiovascular phenotype; Hereditary cancer-predisposing syndrome. Last evaluated: 2023-06-01. Review status: criteria provided, single submitter. Criteria: Ambry Variant Classification Scheme 2023. Collection method: clinical testing. Allele origin: germline.
Comment: The p.L816P variant (also known as c.2447T>C), located in coding exon 21 of the LZTR1 gene, results from a T to C substitution at nucleotide position 2447. The leucine at codon 816 is replaced by proline, an amino acid with similar properties. This amino acid position is conserved. In addition, this alteration is predicted to be deleterious by in silico analysis. Since supporting evidence is limited at this time, the clinical significance of this alteration remains unclear.

NM_006767.4(LZTR1):c.2447T>C (p.Leu816Pro)

Gene: LZTR1 (leucine zipper like post translational regulator 1; plus strand). Cytogenetic location: 22q11.21.
Variant type: single nucleotide variant.
Coding change: c.2447T>C on transcript NM_006767.4 (MANE Select); coding-DNA position 2447, T replaced by C.
Protein change: p.Leu816Pro; replaces leucine 816 with proline.
Molecular consequence: missense variant.
Genome position (GRCh38, 1-based): chr22:20,997,272, T>C. VCF-style: chr22-20997272-T-C. GRCh37 (hg19) VCF-style: chr22-21351561-T-C.
Other names: short protein forms L816P.
Identifiers: ClinVar variation 3238248 (VCV003238248.2), dbSNP rs2518626709.